The following is an entry in ClinVar:

ClinVar aggregate classification (germline): Uncertain significance (1 of 4 stars; one submission).

gnomAD v4.1: 1 of 1,515,872 alleles (0.000066%); highest among the groups gnomAD compares: South Asian, 0.0012%; no homozygotes.

Submission:

Labcorp Genetics (formerly Invitae), Labcorp
Classification: Uncertain significance. Last evaluated: 2020-03-31. Review status: criteria provided, single submitter. Criteria: Invitae Variant Classification Sherloc (09022015). Collection method: clinical testing. Allele origin: germline.
Comment: This sequence change replaces proline with serine at codon 108 of the P3H2 protein (p.Pro108Ser). The proline residue is weakly conserved and there is a moderate physicochemical difference between proline and serine. In summary, the available evidence is currently insufficient to determine the role of this variant in disease. Therefore, it has been classified as a Variant of Uncertain Significance. The frequency data for this variant in the population databases is considered unreliable, as metrics indicate insufficient coverage at this position in the ExAC database. This variant has not been reported in the literature in individuals with P3H2-related conditions. Algorithms developed to predict the effect of missense changes on protein structure and function (SIFT, PolyPhen-2, Align-GVGD) all suggest that this variant is likely to be tolerated, but these predictions have not been confirmed by published functional studies and their clinical significance is uncertain.

NM_018192.4(P3H2):c.322C>T (p.Pro108Ser)

Genes: P3H2 (prolyl 3-hydroxylase 2; minus strand), LOC129938149 (ATAC-STARR-seq lymphoblastoid silent region 14999; plus strand). Cytogenetic location: 3q28.
Variant type: single nucleotide variant.
Coding change: c.322C>T on transcript NM_018192.4 (MANE Select); coding-DNA position 322, C replaced by T.
Protein change: p.Pro108Ser; replaces proline 108 with serine.
Molecular consequence: missense variant. On other transcripts: intron variant (1).
Genome position (GRCh38, 1-based): chr3:190,120,410, G>A on the plus strand (C>T on the coding strand, the complement: P3H2 is on the minus strand). VCF-style: chr3-190120410-G-A. GRCh37 (hg19) VCF-style: chr3-189838199-G-A.
Other names: c.-64+1793C>T (NM_001134418.2); short protein forms P108S.
Identifiers: ClinVar variation 1016346 (VCV001016346.5), dbSNP rs1268183770, ClinGen allele CA355859723.
Genomic context (GRCh38, chr3:190,120,410, plus strand): 5'-GGCGCTGGGTCTCACAGCTGCGATAACAGCGCGCCCGCCCCAACAAGGAGCGGAAAAGGG[G>A]CAGCTCAGCGCCGGGGCCCTCGCCGGGGGGCGGGGGCGGGAGCGGGTGGCGCGCCGCGCA-3'
Protein context (NP_060662.2, residues 98-118): PPGEGPGAEL[Pro108Ser]LFRSLLGRAR